The following is an entry in ClinVar:

ClinVar aggregate classification (germline): Conflicting classifications of pathogenicity. Review status: criteria provided, conflicting classifications (1 of 4 stars). 4 submissions from 4 submitters: Likely pathogenic (1); Uncertain significance (3). Last evaluated 2026-10-15.

Conditions:
Lethal multiple pterygium syndrome (LMPS). Identifiers: Orphanet 33108, MedGen C1854678, MONDO:0009668, OMIM 253290.

Allele frequency attached by ClinVar (database versions not stated): gnomAD 0.00006; TOPMed 0.00002.
gnomAD v4.1: 61 of 1,613,950 alleles (0.0038%); highest among the groups gnomAD compares: Non-Finnish European, 0.0051%; no homozygotes.

Submissions (4):

GeneDx
Classification: Likely pathogenic. Last evaluated: 2026-10-15. Review status: criteria provided, single submitter. Criteria: GeneDx Variant Classification Process June 2021. Collection method: clinical testing. Allele origin: germline.
Comment: Published functional studies demonstrate a damaging effect as in-vitro analysis has shown that the G94C variant leads to significantly reduced surface expression of the protein in AChR cultured cells (PMID: 22728938); In silico analysis supports that this missense variant has a deleterious effect on protein structure/function; This variant is associated with the following publications: (PMID: 22728938, 25159927, 14719537, 25305004, 23679851)

Labcorp Genetics (formerly Invitae), Labcorp
Classification: Uncertain significance for Lethal multiple pterygium syndrome. Last evaluated: 2025-01-29. Review status: criteria provided, single submitter. Criteria: Invitae Variant Classification Sherloc (09022015). Collection method: clinical testing. Allele origin: germline.
Comment: This sequence change replaces glycine, which is neutral and non-polar, with cysteine, which is neutral and slightly polar, at codon 94 of the CHRNA1 protein (p.Gly94Cys). This variant is present in population databases (rs199470444, gnomAD 0.006%). This missense change has been observed in individual(s) with congenital myasthenic syndrome in the compound heterozygous state (PMID: 22728938). This variant is also known as G74C. ClinVar contains an entry for this variant (Variation ID: 565596). Invitae Evidence Modeling of protein sequence and biophysical properties (such as structural, functional, and spatial information, amino acid conservation, physicochemical variation, residue mobility, and thermodynamic stability) indicates that this missense variant is expected to disrupt CHRNA1 protein function with a positive predictive value of 80%. Experimental studies have shown that this missense change affects CHRNA1 function (PMID: 22728938). In summary, the available evidence is currently insufficient to determine the role of this variant in disease. Therefore, it has been classified as a Variant of Uncertain Significance.

Women's Health and Genetics/Laboratory Corporation of America, LabCorp
Classification: Uncertain significance. Last evaluated: 2024-12-05. Review status: criteria provided, single submitter. Criteria: LabCorp Variant Classification Summary - May 2015. Collection method: clinical testing. Allele origin: germline.
Comment: Variant summary: CHRNA1 c.280G>T (p.Gly94Cys) results in a non-conservative amino acid change located in the Neurotransmitter-gated ion-channel ligand binding domain (IPR006202) of the encoded protein sequence. Five of five in-silico tools predict a damaging effect of the variant on protein function. The variant allele was found at a frequency of 1.6e-05 in 251418 control chromosomes. The available data on variant occurrences in the general population are insufficient to allow any conclusion about variant significance. c.280G>T has been reported in the literature in at least one compound heterozygous individual affected with Congenital Myasthenic Syndrome with no family history of disease (e.g. Shen_2012). These data do not allow any conclusion about variant significance. One publication reports experimental evidence evaluating an impact on protein function, with the variant showing significantly reduced cell surface expression in vitro, however, does not allow convincing conclusions about the variant effect (e.g. Shen_2012). The following publication has been ascertained in the context of this evaluation (PMID: 22728938). ClinVar contains an entry for this variant (Variation ID: 565596). Based on the evidence outlined above, the variant was classified as uncertain significance.

Revvity Omics, Revvity
Classification: Uncertain significance. Last evaluated: 2019-12-09. Review status: criteria provided, single submitter. Criteria: ACMG Guidelines, 2015. Collection method: clinical testing. Allele origin: germline.

Literature cited by the submitters: PubMed 22728938 (cited by Labcorp Genetics (formerly Invitae), Labcorp and Women's Health and Genetics/Laboratory Corporation of America, LabCorp).

NM_000079.4(CHRNA1):c.280G>T (p.Gly94Cys)

Gene: CHRNA1 (cholinergic receptor nicotinic alpha 1 subunit; minus strand). Cytogenetic location: 2q31.1.
Variant type: single nucleotide variant.
Coding change: c.280G>T on transcript NM_000079.4 (MANE Select); coding-DNA position 280, G replaced by T.
Protein change: p.Gly94Cys; replaces glycine 94 with cysteine.
Molecular consequence: missense variant.
Genome position (GRCh38, 1-based): chr2:174,757,630, C>A on the plus strand (G>T on the coding strand, the complement: CHRNA1 is on the minus strand). VCF-style: chr2-174757630-C-A. GRCh37 (hg19) VCF-style: chr2-175622358-C-A.
Other names: c.355G>T, p.Gly119Cys (NM_001039523.3); short protein forms G119C, G94C.
Identifiers: ClinVar variation 565596 (VCV000565596.16), dbSNP rs199470444, ClinGen allele CA1974603.
Genomic context (GRCh38, chr2:174,757,630, plus strand): 5'-TATAGAGAACAAGGTCTGGGCGCCAGATCTTTTCTGAAGGAATGTGAATTTTTTTCACAC[C>A]GCCATAGTCATCTGGATTCCATTTTAGGTTGTAATCCACCCATTGCTAGAAACAAAGACA-3'
Protein context (NP_000070.1, residues 84-104): NLKWNPDDYG[Gly94Cys]VKKIHIPSEK